The following is an entry in ClinVar:

ClinVar aggregate classification (germline): Likely benign. Review status: criteria provided, multiple submitters, no conflicts (2 of 4 stars). 8 submissions from 8 submitters: Likely benign (8). Last evaluated 2026-08-01.

Conditions:
Marfan syndrome (MFS). Also called: MARFAN SYNDROME, TYPE I; FBN1-Related Marfan Syndrome; Marfan syndrome, classic; Marfan syndrome type 1; Marfan's syndrome. Identifiers: Orphanet 284963, Orphanet 558, MedGen C0024796, MONDO:0007947, OMIM 154700.
Familial thoracic aortic aneurysm and aortic dissection (TAAD). Also called: Thoracic aortic aneurysms and dissections. Identifiers: Orphanet 91387, MedGen C4707243, MONDO:0019625.

Allele frequency attached by ClinVar (database versions not stated): TOPMed 0.00002.
gnomAD v4.1: 55 of 1,612,488 alleles (0.0034%); highest among the groups gnomAD compares: Middle Eastern, 0.017%; no homozygotes.

Submissions (8):

CeGaT Center for Human Genetics Tuebingen
Classification: Likely benign. Last evaluated: 2026-08-01. Review status: criteria provided, single submitter. Criteria: CeGaT Center For Human Genetics Tuebingen Variant Classification Criteria Version 2. Collection method: clinical testing. Allele origin: germline. Affected: yes. Observed: 1 variant allele.
Comment: FBN1: BP4, BP7

Labcorp Genetics (formerly Invitae), Labcorp
Classification: Likely benign for Marfan syndrome; Familial thoracic aortic aneurysm and aortic dissection. Last evaluated: 2026-01-20. Review status: criteria provided, single submitter. Criteria: Invitae Variant Classification Sherloc (09022015). Collection method: clinical testing. Allele origin: germline.

ARUP Laboratories, Molecular Genetics and Genomics, ARUP Laboratories
Classification: Likely benign. Last evaluated: 2024-08-21. Review status: criteria provided, single submitter. Criteria: ARUP Molecular Germline Variant Investigation Process 2024. Collection method: clinical testing. Allele origin: germline.

All of Us Research Program, National Institutes of Health
Classification: Likely benign for Marfan syndrome. Last evaluated: 2023-12-13. Review status: criteria provided, single submitter. Criteria: ACMG Guidelines, 2015. Collection method: clinical testing. Allele origin: germline. Inheritance: Autosomal dominant inheritance. Observed: 18 variant alleles, 18 heterozygotes.
Comment: This study involves interpretation of variants in research participants for the purpose of population health screening. Participant phenotype was not available at the time of variant classification. Additional details can be found in publication PMID: 35346344, PMCID: PMC8962531

Blueprint Genetics
Classification: Likely benign. Last evaluated: 2023-12-12. Review status: criteria provided, single submitter. Criteria: ACMG Guidelines, 2015. Collection method: clinical testing. Allele origin: germline.

Ambry Genetics
Classification: Likely benign for Familial thoracic aortic aneurysm and aortic dissection. Last evaluated: 2023-09-05. Review status: criteria provided, single submitter. Criteria: Ambry Variant Classification Scheme 2023. Collection method: clinical testing. Allele origin: germline.

Centre of Medical Genetics, University Hospital Muenster
Classification: Likely benign for Marfan syndrome. Last evaluated: 2022-05-03. Review status: criteria provided, single submitter. Criteria: ACMG Guidelines, 2015. Collection method: clinical testing. Allele origin: unknown. Affected: yes. Observed: 1 variant allele, 1 heterozygote.
Comment: ACMG categories: BP4,BP6,BP7

Color Diagnostics, LLC DBA Color Health
Classification: Likely benign for Familial thoracic aortic aneurysm and aortic dissection. Last evaluated: 2019-01-27. Review status: criteria provided, single submitter. Criteria: ACMG Guidelines, 2015. Collection method: clinical testing. Allele origin: germline.

NM_000138.5(FBN1):c.1278G>T (p.Pro426=)

Gene: FBN1 (fibrillin 1; minus strand). Cytogenetic location: 15q21.1.
Variant type: single nucleotide variant.
Coding change: c.1278G>T on transcript NM_000138.5 (MANE Select); coding-DNA position 1278, G replaced by T.
Protein change: p.Pro426=; no amino-acid change (proline 426 retained).
Molecular consequence: synonymous variant.
Genome position (GRCh38, 1-based): chr15:48,516,232, C>A on the plus strand (G>T on the coding strand, the complement: FBN1 is on the minus strand). VCF-style: chr15-48516232-C-A. GRCh37 (hg19) VCF-style: chr15-48808429-C-A.
Identifiers: ClinVar variation 702737 (VCV000702737.19), dbSNP rs113245313, ClinGen allele CA044136.
Genomic context (GRCh38, chr15:48,516,232, plus strand): 5'-TGAATTCTTACTTGGTGGCTCCCGAGATGGATACAGATATTCCACTGGTGGTCGAGGGAC[C>A]GGAATTTGAGGTCCAGGAGGAAAGCCAGGAGGAACAGGGAGAACTGGAGGAATGGGGCCA-3'
Protein context (NP_000129.3, residues 416-436): PPGFPPGPQI[Pro426=]VPRPPVEYLY